The following is an entry in ClinVar:

NM_001084.5(PLOD3):c.2200T>A (p.Ser734Thr)

Gene: PLOD3 (procollagen-lysine,2-oxoglutarate 5-dioxygenase 3; minus strand). Cytogenetic location: 7q22.1.
Variant type: single nucleotide variant.
Coding change: c.2200T>A on transcript NM_001084.5 (MANE Select); coding-DNA position 2200, T replaced by A.
Protein change: p.Ser734Thr; replaces serine 734 with threonine.
Molecular consequence: missense variant.
Genome position (GRCh38, 1-based): chr7:101,206,298, A>T on the plus strand (T>A on the coding strand, the complement: PLOD3 is on the minus strand). VCF-style: chr7-101206298-A-T. GRCh37 (hg19) VCF-style: chr7-100849579-A-T.
Other names: short protein forms S734T.
Identifiers: ClinVar variation 618836 (VCV000618836.11), dbSNP rs1432678087, ClinGen allele CA368607050.

ClinVar aggregate classification (germline): Uncertain significance. Review status: criteria provided, multiple submitters, no conflicts (2 of 4 stars). 3 submissions from 3 submitters: Uncertain significance (3). Last evaluated 2025-06-08.

Conditions:
Inborn genetic diseases. Identifiers: MedGen C0950123, MeSH D030342.

Allele frequency attached by ClinVar (database versions not stated): TOPMed below 0.00001; gnomAD exomes 0.00001.
gnomAD v4.1: 20 of 1,613,906 alleles (0.0012%); highest among the groups gnomAD compares: Non-Finnish European, 0.0015%; no homozygotes.

Submissions (3):

Ambry Genetics
Classification: Uncertain significance for Inborn genetic diseases. Last evaluated: 2025-06-08. Review status: criteria provided, single submitter. Criteria: Ambry Variant Classification Scheme 2023. Collection method: clinical testing. Allele origin: germline.

Labcorp Genetics (formerly Invitae), Labcorp
Classification: Uncertain significance. Last evaluated: 2024-03-04. Review status: criteria provided, single submitter. Criteria: Invitae Variant Classification Sherloc (09022015). Collection method: clinical testing. Allele origin: germline.
Comment: This sequence change replaces serine, which is neutral and polar, with threonine, which is neutral and polar, at codon 734 of the PLOD3 protein (p.Ser734Thr). This variant is present in population databases (no rsID available, gnomAD 0.003%). This variant has not been reported in the literature in individuals affected with PLOD3-related conditions. ClinVar contains an entry for this variant (Variation ID: 618836). Advanced modeling of protein sequence and biophysical properties (such as structural, functional, and spatial information, amino acid conservation, physicochemical variation, residue mobility, and thermodynamic stability) performed at Invitae indicates that this missense variant is not expected to disrupt PLOD3 protein function with a negative predictive value of 80%. Algorithms developed to predict the effect of sequence changes on RNA splicing suggest that this variant may create or strengthen a splice site. In summary, the available evidence is currently insufficient to determine the role of this variant in disease. Therefore, it has been classified as a Variant of Uncertain Significance.

ARUP Laboratories, Molecular Genetics and Genomics, ARUP Laboratories
Classification: Uncertain significance. Last evaluated: 2017-06-12. Review status: criteria provided, single submitter. Criteria: ARUP Molecular Germline Variant Investigation Process. Collection method: clinical testing. Allele origin: germline.